The following is an entry in ClinVar:

ClinVar aggregate classification (germline): Likely benign. Review status: criteria provided, multiple submitters, no conflicts (2 of 4 stars). 3 submissions from 3 submitters: Likely benign (2). 1 of the submissions does not count toward it. Last evaluated 2026-09-16.

Conditions:
Myeloproliferative neoplasm. Identifiers: Orphanet 98274, MedGen C1292778, MONDO:0020076.

Submissions (3):

Dept of Medical Biology, Uskudar University
Classification: Likely benign for Myeloproliferative neoplasm. Last evaluated: 2026-09-16. Review status: criteria provided, single submitter. Criteria: Dept of Medical Biology Variant Classification. Collection method: research. Allele origin: germline. Affected: yes. Observed: 1 variant allele.
Comment: BS1: allele frequency 8.9e-04 in exomes in gnomAD v4.1 (allele count 1,300). BP3: in-frame deletion of one 24-bp tandem repeat unit outside the PH and SH2 domains. BP6: classified as likely benign in ClinVar (VCV002443259). BS1 was applied at full strength where the gnomAD v4.1 grpmax filtering allele frequency exceeds 2.5e-04 (PMID:28518168) and at supporting strength where only the unfiltered population frequency does. Classified as likely benign under the ACMG/AMP 2015 guidelines (PMID:25741868). Detected in a retrospective series of 256 BCR::ABL1-negative and JAK2 V617F-negative patients referred for molecular investigation of a suspected myeloproliferative neoplasm (May 2007 to January 2015) and re-interpreted under the ACMG/AMP 2015 criteria.

CeGaT Center for Human Genetics Tuebingen
Classification: Likely benign. Last evaluated: 2023-12-01. Review status: criteria provided, single submitter. Criteria: CeGaT Center For Human Genetics Tuebingen Variant Classification Criteria Version 2. Collection method: clinical testing. Allele origin: germline. Affected: yes. Observed: 1 variant allele.
Comment: SH2B3: PM4, BS1

Genetic Services Laboratory, University of Chicago
Classification: Likely benign. Last evaluated: 2022-09-02. Review status: no assertion criteria provided. Collection method: clinical testing. Allele origin: germline. Affected: no. Not counted in ClinVar's aggregate classification.

NM_005475.3(SH2B3):c.1454_1477del (p.Asp485_Trp492del)

Gene: SH2B3 (SH2B adaptor protein 3; plus strand). Cytogenetic location: 12q24.12.
Variant type: Deletion.
Coding change: c.1454_1477del on transcript NM_005475.3 (MANE Select); coding-DNA positions 1454 to 1477, 24 bases deleted (ATTCAGAGTCCCTTCCTCACTGGG).
Protein change: p.Asp485_Trp492del.
Molecular consequence: inframe deletion. On other transcripts: inframe indel (1).
Genome position (GRCh38, 1-based): chr12:111,448,028-111,448,051, ATTCAGAGTCCCTTCCTCACTGGG deleted; deleting any 24 consecutive bases within chr12:111,448,012-111,448,051 gives the same sequence; the c. name uses the placement nearest the transcript's 3' end. VCF-style (leftmost placement, unchanged base first): chr12-111448011-CTCCCTTCCTCACTGGGATTCAGAG-C. GRCh37 (hg19) VCF-style: chr12-111885815-CTCCCTTCCTCACTGGGATTCAGAG-C.
Other names: c.848_871del, p.Asp283_Trp290del (NM_001291424.1); c.1454_1477del24, p.Asp485_Trp492del (NM_005475.2).
Identifiers: ClinVar variation 2443259 (VCV002443259.25), dbSNP rs537932422, ClinGen allele CA6789999.